The following is an entry in ClinVar:

ClinVar aggregate classification (germline): Likely pathogenic. Review status: criteria provided, multiple submitters, no conflicts (2 of 4 stars). 3 submissions from 3 submitters: Likely pathogenic (3). Last evaluated 2026-04-20.

Conditions:
Fanconi-Bickel syndrome (FBS). Also called: FANCONI SYNDROME WITH INTESTINAL MALABSORPTION AND GALACTOSE INTOLERANCE; HEPATIC GLYCOGENOSIS WITH AMINO ACIDURIA AND GLUCOSURIA; HEPATIC GLYCOGENOSIS WITH FANCONI NEPHROPATHY; HEPATORENAL GLYCOGENOSIS WITH RENAL FANCONI SYNDROME; PSEUDO-PHLORIZIN DIABETES; Glycogen storage disease due to GLUT2 deficiency. Identifiers: Orphanet 2088, MedGen C3495427, MONDO:0009216, OMIM 227810.
Type 2 diabetes mellitus. Also called: Type II diabetes mellitus. Identifiers: MedGen C0011860, MeSH D003924, MONDO:0005148, OMIM 125853, HP:0005978.

Submissions (3):

Centre for Medical Genetics,  Mumbai
Classification: Likely pathogenic for Fanconi-Bickel syndrome. Last evaluated: 2026-04-20. Review status: criteria provided, single submitter. Criteria: ACMG Guidelines, 2015. Collection method: provider interpretation. Allele origin: germline. Inheritance: Autosomal recessive inheritance. Affected: yes. Observed: 1 variant allele, 1 homozygote.
Comment: The variant satisfies PM2 criteria - extremely low frequency in gnomAD population databases. The variant satisfies PP2 criteria - missense variant in a gene with low rate of benign missense mutations and for which missense mutation is a common mechanism of a disease. Hence the variant should be considered a likely pathogenic variant.

Fulgent Genetics
Classification: Likely pathogenic for Type 2 diabetes mellitus; Fanconi-Bickel syndrome. Last evaluated: 2024-04-04. Review status: criteria provided, single submitter. Criteria: ACMG Guidelines, 2015. Collection method: clinical testing. Allele origin: germline.

Genomic Medicine Center of Excellence, King Faisal Specialist Hospital and Research Centre
Classification: Likely pathogenic for Fanconi-Bickel syndrome. Last evaluated: 2024-03-25. Review status: criteria provided, single submitter. Criteria: ACMG Guidelines, 2015. Collection method: research. Allele origin: germline.

Literature cited by the submitters: PubMed 9354798 (cited by Centre for Medical Genetics,  Mumbai).

NM_000340.2(SLC2A2):c.474A>C (p.Arg158Ser)

Gene: SLC2A2 (solute carrier family 2 member 2; minus strand). Cytogenetic location: 3q26.2.
Variant type: single nucleotide variant.
Coding change: c.474A>C on transcript NM_000340.2 (MANE Select); coding-DNA position 474, A replaced by C.
Protein change: p.Arg158Ser; replaces arginine 158 with serine.
Molecular consequence: missense variant. On other transcripts: intron variant (1).
Genome position (GRCh38, 1-based): chr3:171,009,980, T>G on the plus strand (A>C on the coding strand, the complement: SLC2A2 is on the minus strand). VCF-style: chr3-171009980-T-G. GRCh37 (hg19) VCF-style: chr3-170727769-T-G.
Other names: c.117A>C, p.Arg39Ser (NM_001278658.2); c.-23-2717A>C (NM_001278659.2); short protein forms R158S, R39S.
Identifiers: ClinVar variation 3064444 (VCV003064444.4), dbSNP rs2473906384, ClinGen allele CA355491582.